The following is an entry in ClinVar:

ClinVar aggregate classification (germline): Likely pathogenic. Review status: criteria provided, multiple submitters, no conflicts (2 of 4 stars). 3 submissions from 3 submitters: Likely pathogenic (3). Last evaluated 2025-02-14.

Conditions:
Familial adenomatous polyposis 4 (FAP4). Also called: MSH3-related attenuated familial adenomatous polyposis. Identifiers: Orphanet 480536, MedGen C4310719, MONDO:0044300, OMIM 617100.
Hereditary cancer-predisposing syndrome. Also called: Neoplastic Syndromes, Hereditary; Hereditary Cancer Syndrome; Hereditary neoplastic syndrome; Tumor predisposition. Identifiers: Orphanet 140162, MedGen C0027672, MeSH D009386, MONDO:0015356.

Submissions (3):

Ambry Genetics
Classification: Likely pathogenic for Hereditary cancer-predisposing syndrome. Last evaluated: 2025-02-14. Review status: criteria provided, single submitter. Criteria: Ambry Variant Classification Scheme 2023. Collection method: clinical testing. Allele origin: germline.
Comment: The c.2654_2655+13del15insTATTTGG variant results from a deletion of 15 nucleotides and insertion of TATTTGG nucleotides at positions c.2654 to c.2655+13 and involves the canonical splice donor site after coding exon 19 of the MSH3 gene. The canonical splice donor site is highly conserved in available vertebrate species.In silico splice site analysis predicts that this alteration will weaken the native splice donor site; however, the exact impact of this alteration on MSH3 splicing and function is currently unknown. Alterations that disrupt the canonical splice site are expected to cause aberrant splicing, resulting in an abnormal protein or a transcript that is subject to nonsense-mediated mRNA decay. As such, this alteration is classified as likely pathogenic.

Myriad Genetics, Inc.
Classification: Likely pathogenic for Familial adenomatous polyposis 4. Last evaluated: 2023-08-31. Review status: criteria provided, single submitter. Criteria: Myriad Autosomal Dominant, Autosomal Recessive and X-Linked Classification Criteria (2023). Collection method: clinical testing. Allele origin: unknown.
Comment: This variant is considered likely pathogenic. This variant occurs within a consensus splice junction and is predicted to result in abnormal mRNA splicing of either an out-of-frame exon or an in-frame exon necessary for protein stability and/or normal function.

Labcorp Genetics (formerly Invitae), Labcorp
Classification: Likely pathogenic. Last evaluated: 2023-08-30. Review status: criteria provided, single submitter. Criteria: Invitae Variant Classification Sherloc (09022015). Collection method: clinical testing. Allele origin: germline.
Comment: This variant is not present in population databases (gnomAD no frequency). In summary, the currently available evidence indicates that the variant is pathogenic, but additional data are needed to prove that conclusively. Therefore, this variant has been classified as Likely Pathogenic. ClinVar contains an entry for this variant (Variation ID: 2108165). This variant has not been reported in the literature in individuals affected with MSH3-related conditions. This variant results in the deletion of part of exon 19 (c.2654_2655+13delinsTATTTGG) of the MSH3 gene. It is expected to disrupt RNA splicing. Variants that disrupt the donor or acceptor splice site typically lead to a loss of protein function (PMID: 16199547), and loss-of-function variants in MSH3 are known to be pathogenic (PMID: 27476653, 37402566).

Literature cited by the submitters: PubMed 16199547 (cited by Labcorp Genetics (formerly Invitae), Labcorp); PubMed 27476653 (cited by Labcorp Genetics (formerly Invitae), Labcorp); PubMed 37402566 (cited by Labcorp Genetics (formerly Invitae), Labcorp).

NM_002439.5(MSH3):c.2654_2655+13delinsTATTTGG

Gene: MSH3 (mutS homolog 3; plus strand). Cytogenetic location: 5q14.1.
Variant type: Indel.
Coding change: c.2654_2655+13delinsTATTTGG on transcript NM_002439.5 (MANE Select); coding-DNA position 2654 through 13 bases into the intron after coding-DNA position 2655, CAGTAAGTACCTTAT replaced by TATTTGG.
Molecular consequence: splice donor variant.
Genome position (GRCh38, 1-based): chr5:80,792,843-80,792,857, CAGTAAGTACCTTAT replaced by TATTTGG. VCF-style: chr5-80792843-CAGTAAGTACCTTAT-TATTTGG. GRCh37 (hg19) VCF-style: chr5-80088662-CAGTAAGTACCTTAT-TATTTGG.
Other names: c.2654_2655+13del15insTATTTGG (NM_002439.3).
Identifiers: ClinVar variation 2108165 (VCV002108165.6), dbSNP rs2546786853, ClinGen allele CA2580073626.